The following is an entry in ClinVar:

NM_001048174.2(MUTYH):c.487C>G (p.Arg163Gly)

Gene: MUTYH (mutY DNA glycosylase; minus strand). Cytogenetic location: 1p34.1.
Variant type: single nucleotide variant.
Coding change: c.487C>G on transcript NM_001048174.2 (MANE Select); coding-DNA position 487, C replaced by G.
Protein change: p.Arg163Gly; replaces arginine 163 with glycine.
Molecular consequence: missense variant. On other transcripts: non-coding transcript variant (2).
Genome position (GRCh38, 1-based): chr1:45,332,768, G>C on the plus strand (C>G on the coding strand, the complement: MUTYH is on the minus strand). VCF-style: chr1-45332768-G-C. GRCh37 (hg19) VCF-style: chr1-45798440-G-C.
Other names: c.487C>G, p.Arg163Gly (NM_001048171.2, NM_001048173.2, NM_001293195.2); c.490C>G, p.Arg164Gly (NM_001048172.2); c.571C>G, p.Arg191Gly (NM_001128425.2); c.532C>G, p.Arg178Gly (NM_001293190.2); c.520C>G, p.Arg174Gly (NM_001293191.2); c.211C>G, p.Arg71Gly (NM_001293192.2, NM_001293196.2); c.142C>G, p.Arg48Gly (NM_001350650.2, NM_001350651.2); c.562C>G, p.Arg188Gly (NM_012222.3); short protein forms R191G, R164G, R71G, R163G, R178G, R188G, R48G, R174G.
Identifiers: ClinVar variation 481803 (VCV000481803.24), dbSNP rs761101420, ClinGen allele CA340135541.
Genomic context (GRCh38, chr1:45,332,768, plus strand): 5'-AAGATTATAAGACACCCAAGACTCCTGGGTTCCTACCCTCCTGCCATCCCCTTACCTTCC[G>C]AGCTCCCTCCTGCAGCCGCCGGCCACGAGAATAGTAGCCCAGGCCAGCCCAGAGTTGATT-3'
Protein context (NP_001041639.1, residues 153-173): SRGRRLQEGA[Arg163Gly]KVVEELGGHM

ClinVar aggregate classification (germline): Uncertain significance. Review status: criteria provided, multiple submitters, no conflicts (2 of 4 stars). 7 submissions from 7 submitters: Uncertain significance (7). Last evaluated 2025-11-08.

Conditions:
Familial adenomatous polyposis 2. Also called: COLORECTAL ADENOMATOUS POLYPOSIS, AUTOSOMAL RECESSIVE; MUTYH-related attenuated familial adenomatous polyposis; Adenomas, multiple colorectal; MUTYH-associated polyposis; MUTYH Polyposis; ADENOMAS, MULTIPLE COLORECTAL, AUTOSOMAL RECESSIVE. Identifiers: Orphanet 220460, Orphanet 247798, MedGen C3272841, MONDO:0012041, OMIM 608456.
Gastric cancer. Also called: Stomach cancer; Malignant tumor of stomach. Identifiers: MedGen C0024623, MeSH D013274, MONDO:0001056, OMIM 613659, HP:0012126.
Hereditary cancer-predisposing syndrome. Also called: Tumor predisposition; Hereditary neoplastic syndrome; Hereditary Cancer Syndrome; Neoplastic Syndromes, Hereditary. Identifiers: Orphanet 140162, MedGen C0027672, MeSH D009386, MONDO:0015356.

gnomAD v4.1: 2 of 1,614,080 alleles (0.00012%); highest among the groups gnomAD compares: Admixed American, 0.0017%; no homozygotes.

Submissions (7):

Ambry Genetics
Classification: Uncertain significance for Hereditary cancer-predisposing syndrome. Last evaluated: 2025-11-08. Review status: criteria provided, single submitter. Criteria: Ambry Variant Classification Scheme 2023. Collection method: clinical testing. Allele origin: germline.
Comment: The p.R191G variant (also known as c.571C>G), located in coding exon 7 of the MUTYH gene, results from a C to G substitution at nucleotide position 571. The arginine at codon 191 is replaced by glycine, an amino acid with dissimilar properties. This amino acid position is not well conserved in available vertebrate species. In addition, the in silico prediction for this alteration is inconclusive. Since supporting evidence is limited at this time, the clinical significance of this alteration remains unclear.

Labcorp Genetics (formerly Invitae), Labcorp
Classification: Uncertain significance for Familial adenomatous polyposis 2. Last evaluated: 2025-09-27. Review status: criteria provided, single submitter. Criteria: Invitae Variant Classification Sherloc (09022015). Collection method: clinical testing. Allele origin: germline.
Comment: This sequence change replaces arginine, which is basic and polar, with glycine, which is neutral and non-polar, at codon 191 of the MUTYH protein (p.Arg191Gly). This variant is present in population databases (no rsID available, gnomAD 0.003%). This variant has not been reported in the literature in individuals affected with MUTYH-related conditions. ClinVar contains an entry for this variant (Variation ID: 481803). An algorithm developed to predict the effect of missense changes on protein structure and function (PolyPhen-2) suggests that this variant is likely to be disruptive. In summary, the available evidence is currently insufficient to determine the role of this variant in disease. Therefore, it has been classified as a Variant of Uncertain Significance.

Fulgent Genetics
Classification: Uncertain significance for Familial adenomatous polyposis 2; Gastric cancer. Last evaluated: 2024-05-06. Review status: criteria provided, single submitter. Criteria: ACMG Guidelines, 2015. Collection method: clinical testing. Allele origin: germline.

Baylor Genetics
Classification: Uncertain significance for Familial adenomatous polyposis 2. Last evaluated: 2024-02-09. Review status: criteria provided, single submitter. Criteria: ACMG Guidelines, 2015. Collection method: clinical testing. Allele origin: unknown.

Quest Diagnostics Nichols Institute San Juan Capistrano
Classification: Uncertain significance. Last evaluated: 2023-10-06. Review status: criteria provided, single submitter. Criteria: Quest Diagnostics criteria. Collection method: clinical testing. Allele origin: unknown.

All of Us Research Program, National Institutes of Health
Classification: Uncertain significance for Familial adenomatous polyposis 2. Last evaluated: 2023-04-03. Review status: criteria provided, single submitter. Criteria: ACMG Guidelines, 2015. Collection method: clinical testing. Allele origin: germline. Inheritance: Autosomal recessive inheritance. Observed: 1 variant allele, 1 heterozygote.
Comment: This missense variant replaces arginine with glycine at codon 191 of the MUTYH protein. Computational prediction is inconclusive regarding the impact of this variant on protein structure and function (internally defined REVEL score threshold 0.5 < inconclusive < 0.7, PMID: 27666373). To our knowledge, functional studies have not been reported for this variant. This variant has not been reported in individuals affected with hereditary cancer in the literature. This variant has been identified in 1/251480 chromosomes in the general population by the Genome Aggregation Database (gnomAD). The available evidence is insufficient to determine the role of this variant in disease conclusively. Therefore, this variant is classified as a Variant of Uncertain Significance.

This study involves interpretation of variants in research participants for the purpose of population health screening. Participant phenotype was not available at the time of variant classification. Additional details can be found in publication PMID: 35346344, PMCID: PMC8962531

Color Diagnostics, LLC DBA Color Health
Classification: Uncertain significance for Hereditary cancer-predisposing syndrome. Last evaluated: 2023-03-16. Review status: criteria provided, single submitter. Criteria: ACMG Guidelines, 2015. Collection method: clinical testing. Allele origin: germline.
Comment: This missense variant replaces arginine with glycine at codon 191 of the MUTYH protein. Computational prediction is inconclusive regarding the impact of this variant on protein structure and function (internally defined REVEL score threshold 0.5 < inconclusive < 0.7, PMID: 27666373). To our knowledge, functional studies have not been reported for this variant. This variant has not been reported in individuals affected with hereditary cancer in the literature. This variant has been identified in 1/251480 chromosomes in the general population by the Genome Aggregation Database (gnomAD). The available evidence is insufficient to determine the role of this variant in disease conclusively. Therefore, this variant is classified as a Variant of Uncertain Significance.